The following is an entry in ClinVar:

NM_000143.4(FH):c.626C>G (p.Pro209Arg)

Gene: FH (fumarate hydratase; minus strand). Cytogenetic location: 1q43.
Variant type: single nucleotide variant.
Coding change: c.626C>G on transcript NM_000143.4 (MANE Select); coding-DNA position 626, C replaced by G.
Protein change: p.Pro209Arg; replaces proline 209 with arginine.
Molecular consequence: missense variant.
Genome position (GRCh38, 1-based): chr1:241,508,715, G>C on the plus strand (C>G on the coding strand, the complement: FH is on the minus strand). VCF-style: chr1-241508715-G-C. GRCh37 (hg19) VCF-style: chr1-241672015-G-C.
Other names: short protein forms P209R.
Identifiers: ClinVar variation 3607530 (VCV003607530.3).

ClinVar aggregate classification (germline): Uncertain significance. Review status: criteria provided, multiple submitters, no conflicts (2 of 4 stars). 2 submissions from 2 submitters: Uncertain significance (2). Last evaluated 2026-02-13.

Conditions:
Hereditary cancer-predisposing syndrome. Also called: Neoplastic Syndromes, Hereditary; Hereditary Cancer Syndrome; Hereditary neoplastic syndrome; Tumor predisposition. Identifiers: Orphanet 140162, MedGen C0027672, MeSH D009386, MONDO:0015356.

Submissions (2):

Ambry Genetics
Classification: Uncertain significance for Hereditary cancer-predisposing syndrome. Last evaluated: 2026-02-13. Review status: criteria provided, single submitter. Criteria: Ambry Variant Classification Scheme 2023. Collection method: clinical testing. Allele origin: germline.
Comment: The p.P209R variant (also known as c.626C>G), located in coding exon 5 of the FH gene, results from a C to G substitution at nucleotide position 626. The proline at codon 209 is replaced by arginine, an amino acid with dissimilar properties. This amino acid position is conserved. In addition, this alteration is predicted to be deleterious by in silico analysis. Based on the available evidence, the clinical significance of this variant remains unclear.

Labcorp Genetics (formerly Invitae), Labcorp
Classification: Uncertain significance. Last evaluated: 2024-07-25. Review status: criteria provided, single submitter. Criteria: Invitae Variant Classification Sherloc (09022015). Collection method: clinical testing. Allele origin: germline.
Comment: This sequence change replaces proline, which is neutral and non-polar, with arginine, which is basic and polar, at codon 209 of the FH protein (p.Pro209Arg). This variant is not present in population databases (gnomAD no frequency). This variant has not been reported in the literature in individuals affected with FH-related conditions. Advanced modeling of protein sequence and biophysical properties (such as structural, functional, and spatial information, amino acid conservation, physicochemical variation, residue mobility, and thermodynamic stability) performed at Invitae indicates that this missense variant is expected to disrupt FH protein function with a positive predictive value of 95%. In summary, the available evidence is currently insufficient to determine the role of this variant in disease. Therefore, it has been classified as a Variant of Uncertain Significance.